The following is an entry in ClinVar:

NC_000022.11:g.40346433G>A

Gene: ADSL (adenylosuccinate lyase; plus strand). Cytogenetic location: 22q13.1.
Variant type: single nucleotide variant.
Genome position: GRCh38 VCF-style: chr22-40346433-G-A. GRCh37 (hg19) VCF-style: chr22-40742437-G-A.
Identifiers: ClinVar variation 1363369 (VCV001363369.3), dbSNP rs1284184707, ClinGen allele CA753180091.

ClinVar aggregate classification (germline): Uncertain significance (1 of 4 stars; one submission).

Conditions:
Adenylosuccinate lyase deficiency (ADSLD). Also called: ADSL DEFICIENCY. Identifiers: Orphanet 46, MedGen C0268126, MONDO:0007068, OMIM 103050.

Submission:

Labcorp Genetics (formerly Invitae), Labcorp
Classification: Uncertain significance for Adenylosuccinate lyase deficiency. Last evaluated: 2021-11-03. Review status: criteria provided, single submitter. Criteria: Invitae Variant Classification Sherloc (09022015). Collection method: clinical testing. Allele origin: germline.
Comment: This variant occurs in a non-coding region of the ADSL gene. It does not change the encoded amino acid sequence of the ADSL protein. This variant is not present in population databases (gnomAD no frequency). This variant has not been reported in the literature in individuals affected with ADSL-related conditions. Experimental studies and prediction algorithms are not available or were not evaluated, and the functional significance of this variant is currently unknown. In summary, the available evidence is currently insufficient to determine the role of this variant in disease. Therefore, it has been classified as a Variant of Uncertain Significance.